The following is an entry in ClinVar:

NM_020988.3(GNAO1):c.768C>T (p.Asn256=)

Gene: GNAO1 (G protein subunit alpha o1; plus strand). Cytogenetic location: 16q13.
Variant type: single nucleotide variant.
Coding change: c.768C>T on transcript NM_020988.3 (MANE Select); coding-DNA position 768, C replaced by T.
Protein change: p.Asn256=; no amino-acid change (asparagine 256 retained).
Molecular consequence: synonymous variant.
Genome position (GRCh38, 1-based): chr16:56,351,428, C>T. VCF-style: chr16-56351428-C-T. GRCh37 (hg19) VCF-style: chr16-56385340-C-T.
Other names: c.768C>T (NM_020988.2).
Identifiers: ClinVar variation 2796119 (VCV002796119.4), dbSNP rs779411534, ClinGen allele CA8063994.
Genomic context (GRCh38, chr16:56,351,428, plus strand): 5'-CTTCCTGCGGCCGCAGAACCGCATGCACGAGTCTCTCATGCTCTTCGACTCCATCTGTAA[C>T]AACAAGTTCTTCATCGATACCTCCATCATTCTCTTCCTCAACAAGAAAGATCTCTTTGGC-3'
Protein context (NP_066268.1, residues 246-266): ESLMLFDSIC[Asn256=]NKFFIDTSII

ClinVar aggregate classification (germline): Conflicting classifications of pathogenicity. Review status: criteria provided, conflicting classifications (1 of 4 stars). 2 submissions from 2 submitters: Uncertain significance (1); Likely benign (1). Last evaluated 2023-12-01.

Conditions:
Early-infantile DEE. Also called: Early infantile epileptic encephalopathy; Early infantile epileptic encephalopathy with suppression bursts; Ohtahara syndrome. Identifiers: Orphanet 1934, MedGen C0393706, MONDO:0800491.

Allele frequency attached by ClinVar (database versions not stated): ExAC 0.00001; gnomAD 0.00002; TOPMed 0.00003.
gnomAD v4.1: 3 of 1,612,152 alleles (0.00019%); highest among the groups gnomAD compares: Middle Eastern, 0.016%; no homozygotes.

Submissions (2):

GeneDx
Classification: Uncertain significance. Last evaluated: 2023-12-01. Review status: criteria provided, single submitter. Criteria: GeneDx Variant Classification Process June 2021. Collection method: clinical testing. Allele origin: germline. Affected: yes.
Comment: Not observed at significant frequency in large population cohorts (gnomAD); In silico analysis supports that this variant does not alter splicing; Has not been previously published as pathogenic or benign to our knowledge

Labcorp Genetics (formerly Invitae), Labcorp
Classification: Likely benign for Early-infantile DEE. Last evaluated: 2023-11-27. Review status: criteria provided, single submitter. Criteria: Invitae Variant Classification Sherloc (09022015). Collection method: clinical testing. Allele origin: germline.